The following is an entry in ClinVar:

NM_014251.3(SLC25A13):c.27del (p.Lys10fs)

Gene: SLC25A13 (solute carrier family 25 member 13; minus strand). Cytogenetic location: 7q21.3.
Variant type: Deletion.
Coding change: c.27del on transcript NM_014251.3 (MANE Select); coding-DNA position 27, one base deleted (C; older notation c.27delC).
Protein change: p.Lys10fs; shifts the reading frame from lysine 10.
Molecular consequence: frameshift variant. On other transcripts: non-coding transcript variant (1).
Genome position (GRCh38, 1-based): chr7:96,296,940, G deleted on the plus strand (C on the coding strand, the reverse complement: SLC25A13 is on the minus strand); the first of 2 consecutive G bases (chr7:96,296,940-96,296,941); deleting either gives the same sequence. VCF-style (leftmost placement, unchanged base first): chr7-96296939-TG-T. GRCh37 (hg19) VCF-style: chr7-95926251-TG-T.
Other names: c.27del, p.Lys10fs (NM_001160210.2); short protein forms K10fs.
Identifiers: ClinVar variation 2764021 (VCV002764021.3), dbSNP rs2486153684, ClinGen allele CA2697557423.

ClinVar aggregate classification (germline): Pathogenic (1 of 4 stars; one submission).

Conditions:
Citrin deficiency. Identifiers: Orphanet 247582, MedGen C1997910, MONDO:0016602.

Submission:

Labcorp Genetics (formerly Invitae), Labcorp
Classification: Pathogenic for Citrin deficiency. Last evaluated: 2023-09-28. Review status: criteria provided, single submitter. Criteria: Invitae Variant Classification Sherloc (09022015). Collection method: clinical testing. Allele origin: germline.
Comment: This sequence change creates a premature translational stop signal (p.Lys10Argfs*13) in the SLC25A13 gene. It is expected to result in an absent or disrupted protein product. Loss-of-function variants in SLC25A13 are known to be pathogenic (PMID: 10369257, 14680984, 27405544). This variant is not present in population databases (gnomAD no frequency). This variant has not been reported in the literature in individuals affected with SLC25A13-related conditions. For these reasons, this variant has been classified as Pathogenic.

Literature cited by the submitters: PubMed 10369257; PubMed 14680984; PubMed 27405544.